The following is an entry in ClinVar:

NM_000093.5(COL5A1):c.321del (p.Ala108fs)

Gene: COL5A1 (collagen type V alpha 1 chain; plus strand). Cytogenetic location: 9q34.3.
Variant type: Deletion.
Coding change: c.321del on transcript NM_000093.5 (MANE Select); coding-DNA position 321, one base deleted (A; older notation c.321delA).
Protein change: p.Ala108fs; shifts the reading frame from alanine 108.
Molecular consequence: frameshift variant.
Genome position (GRCh38, 1-based): chr9:134,699,952, A deleted; the last of 3 consecutive A bases (chr9:134,699,950-134,699,952); deleting any one gives the same sequence. VCF-style (leftmost placement, unchanged base first): chr9-134699949-GA-G. GRCh37 (hg19) VCF-style: chr9-137591795-GA-G.
Other names: c.321del, p.Ala108fs (NM_001278074.1); short protein forms A108fs.
Identifiers: ClinVar variation 1072377 (VCV001072377.8), dbSNP rs2132569651, ClinGen allele CA2499219756.

ClinVar aggregate classification (germline): Pathogenic (1 of 4 stars; one submission).

Conditions:
Ehlers-Danlos syndrome, classic type, 1 (EDSCL1). Also called: EHLERS-DANLOS SYNDROME, GRAVIS TYPE; EHLERS-DANLOS SYNDROME, SEVERE CLASSIC TYPE; EDS I; Ehlers-Danlos Syndrome, Classic Type, COL5A1-Related; Ehlers-Danlos syndrome, type 1. Identifiers: MedGen C0268335, MONDO:0019567, OMIM 130000.

Submission:

Labcorp Genetics (formerly Invitae), Labcorp
Classification: Pathogenic for Ehlers-Danlos syndrome, classic type, 1. Last evaluated: 2020-10-16. Review status: criteria provided, single submitter. Criteria: Invitae Variant Classification Sherloc (09022015). Collection method: clinical testing. Allele origin: germline.
Comment: For these reasons, this variant has been classified as Pathogenic. This variant has not been reported in the literature in individuals with COL5A1-related conditions. This sequence change creates a premature translational stop signal (p.Ala108Profs*72) in the COL5A1 gene. It is expected to result in an absent or disrupted protein product. Loss-of-function variants in COL5A1 are known to be pathogenic (PMID: 23587214). This variant is not present in population databases (ExAC no frequency).

Literature cited by the submitters: PubMed 23587214.